The following is an entry in ClinVar:

ClinVar aggregate classification (germline): Uncertain significance (1 of 4 stars; one submission).

Allele frequency attached by ClinVar (database versions not stated): gnomAD 0.00005 and 0.00006; TOPMed 0.00008.

Submission:

Labcorp Genetics (formerly Invitae), Labcorp
Classification: Uncertain significance. Last evaluated: 2022-09-06. Review status: criteria provided, single submitter. Criteria: Invitae Variant Classification Sherloc (09022015). Collection method: clinical testing. Allele origin: germline.
Comment: This variant occurs in a non-coding region of the EYS gene. It does not change the encoded amino acid sequence of the EYS protein. This variant is not present in population databases (gnomAD no frequency). This variant has not been reported in the literature in individuals affected with EYS-related conditions. ClinVar contains an entry for this variant (Variation ID: 1026868). Experimental studies and prediction algorithms are not available or were not evaluated, and the functional significance of this variant is currently unknown. In summary, the available evidence is currently insufficient to determine the role of this variant in disease. Therefore, it has been classified as a Variant of Uncertain Significance.

NM_001142800.2(EYS):c.-259T>C

Gene: EYS (eyes shut homolog; minus strand). Cytogenetic location: 6q12.
Variant type: single nucleotide variant.
Coding change: c.-259T>C on transcript NM_001142800.2 (MANE Select); 259 bases upstream of the start codon, T replaced by C.
Molecular consequence: 5 prime UTR variant.
Genome position (GRCh38, 1-based): chr6:65,495,920, A>G on the plus strand (T>C on the coding strand, the complement: EYS is on the minus strand). VCF-style: chr6-65495920-A-G. GRCh37 (hg19) VCF-style: chr6-66205813-A-G.
Other names: c.-259T>C (NM_001142801.2, NM_001292009.2, NM_198283.2).
Identifiers: ClinVar variation 1026868 (VCV001026868.4), dbSNP rs1014994890, ClinGen allele CA140435038.